The following is an entry in ClinVar:

NM_001743.6(CALM2):c.400G>C (p.Asp134His)

Gene: CALM2 (calmodulin 2; minus strand). Cytogenetic location: 2p21.
Variant type: single nucleotide variant.
Coding change: c.400G>C on transcript NM_001743.6 (MANE Select); coding-DNA position 400, G replaced by C.
Protein change: p.Asp134His; replaces aspartic acid 134 with histidine.
Molecular consequence: missense variant.
Genome position (GRCh38, 1-based): chr2:47,161,744, C>G on the plus strand (G>C on the coding strand, the complement: CALM2 is on the minus strand). VCF-style: chr2-47161744-C-G. GRCh37 (hg19) VCF-style: chr2-47388883-C-G.
Other names: c.544G>C, p.Asp182His (NM_001305624.1); c.292G>C, p.Asp98His (NM_001305625.2, NM_001305626.1); short protein forms D134H, D98H, D182H.
Identifiers: ClinVar variation 96723 (VCV000096723.2), dbSNP rs398124650, ClinGen allele CA186022.
Genomic context (GRCh38, chr2:47,161,744, plus strand): 5'-ATCAAAGTGAAGAATGAGGCGTGAGACTGAAACATTTACCTTCATAGTTTACTTGACCAT[C>G]ACCATCAATATCTGCTTCCCTGATCATTTCATCAACTTCTTCATCTGTTAACTTCTCTCC-3'
Protein context (NP_001734.1, residues 124-144): EMIREADIDG[Asp134His]GQVNYEEFVQ

ClinVar aggregate classification (germline): Pathogenic/Likely pathogenic. Review status: no assertion criteria provided (0 of 4 stars). 2 submissions from 2 submitters: Pathogenic (1); Likely pathogenic (1). Last evaluated 2014-08-01.

Conditions:
Long QT syndrome 15 (LQT15). Identifiers: Orphanet 101016, Orphanet 768, MedGen C4015695, MONDO:0014550, OMIM 616249.
Long QT syndrome 1 (LQT1). Identifiers: Orphanet 101016, Orphanet 768, MedGen C4551647, MONDO:0100316, OMIM 192500, MONDO:0008646.

Submissions (2):

OMIM
Classification: Pathogenic for LONG QT SYNDROME 15. Last evaluated: 2014-08-01. Review status: no assertion criteria provided. Collection method: literature only. Allele origin: germline.

George Lab Vanderbilt University
Classification: Likely pathogenic. Review status: no assertion criteria provided. Collection method: not provided. Allele origin: germline.
ClinVar note: Converted during submission from probable-pathogenic to Likely pathogenic.

Literature cited by the submitters: PubMed 24917665 (cited by OMIM).